The following is an entry in ClinVar:

NM_020163.3(SEMA3G):c.803G>A (p.Arg268His)

Gene: SEMA3G (semaphorin 3G; minus strand). Cytogenetic location: 3p21.1.
Variant type: single nucleotide variant.
Coding change: c.803G>A on transcript NM_020163.3 (MANE Select); coding-DNA position 803, G replaced by A.
Protein change: p.Arg268His; replaces arginine 268 with histidine.
Molecular consequence: missense variant.
Genome position (GRCh38, 1-based): chr3:52,441,274, C>T on the plus strand (G>A on the coding strand, the complement: SEMA3G is on the minus strand). VCF-style: chr3-52441274-C-T. GRCh37 (hg19) VCF-style: chr3-52475290-C-T.
Other names: short protein forms R268H.
Identifiers: ClinVar variation 3358565 (VCV003358565.1).

ClinVar aggregate classification (germline): Uncertain significance (0 of 4 stars; one submission).

Conditions:
SEMA3G-related disorder. Also called: SEMA3G-related condition.

gnomAD v4.1: 20 of 1,613,080 alleles (0.0012%); highest among the groups gnomAD compares: Middle Eastern, 0.033%; no homozygotes.

Submission:

PreventionGenetics, part of Exact Sciences
Classification: Uncertain significance for SEMA3G-related condition. Last evaluated: 2024-06-04. Review status: no assertion criteria provided. Collection method: clinical testing. Allele origin: germline.
Comment: The SEMA3G c.803G>A variant is predicted to result in the amino acid substitution p.Arg268His. To our knowledge, this variant has not been reported in the literature. This variant is reported in 0.012% of alleles in individuals of African descent in gnomAD. At this time, the clinical significance of this variant is uncertain due to the absence of conclusive functional and genetic evidence.